The following is an entry in ClinVar:

ClinVar aggregate classification (germline): Likely pathogenic (1 of 4 stars; one submission).

Conditions:
Fanconi anemia (FA). Also called: Fanconi's anemia. Identifiers: Orphanet 84, MedGen C0015625, MeSH D005199, MONDO:0019391.

Allele frequency attached by ClinVar (database versions not stated): gnomAD exomes below 0.00001.
gnomAD v4.1: 1 of 1,613,918 alleles (0.000062%); highest among the groups gnomAD compares: Non-Finnish European, 0.000085%; no homozygotes.

Submission:

Labcorp Genetics (formerly Invitae), Labcorp
Classification: Likely pathogenic for Fanconi anemia. Last evaluated: 2025-10-14. Review status: criteria provided, single submitter. Criteria: Invitae Variant Classification Sherloc (09022015). Collection method: clinical testing. Allele origin: germline.
Comment: This sequence change affects a donor splice site in intron 6 of the FANCA gene. It is expected to disrupt RNA splicing. Variants that disrupt the donor or acceptor splice site typically lead to a loss of protein function (PMID: 16199547), and loss-of-function variants in FANCA are known to be pathogenic (PMID: 19367192). This variant is not present in population databases (gnomAD no frequency). Disruption of this splice site has been observed in individual(s) with Fanconi anemia (PMID: 24584348). ClinVar contains an entry for this variant (Variation ID: 2179304). Algorithms developed to predict the effect of sequence changes on RNA splicing suggest that this variant may disrupt the consensus splice site. In summary, the currently available evidence indicates that the variant is pathogenic, but additional data are needed to prove that conclusively. Therefore, this variant has been classified as Likely Pathogenic.

Literature cited by the submitters: PubMed 16199547; PubMed 19367192; PubMed 24584348.

NM_000135.4(FANCA):c.596+1G>A

Gene: FANCA (FA complementation group A; minus strand). Cytogenetic location: 16q24.3.
Variant type: single nucleotide variant.
Coding change: c.596+1G>A on transcript NM_000135.4 (MANE Select); the canonical splice donor site of the intron after coding-DNA position 596, G replaced by A.
Molecular consequence: splice donor variant.
Genome position (GRCh38, 1-based): chr16:89,808,293, C>T on the plus strand (G>A on the coding strand, the complement: FANCA is on the minus strand). VCF-style: chr16-89808293-C-T. GRCh37 (hg19) VCF-style: chr16-89874701-C-T.
Other names: c.596+1G>A (NM_001286167.3, NM_001018112.3); c.500+1G>A (NM_001351830.2).
Identifiers: ClinVar variation 2179304 (VCV002179304.4), dbSNP rs2143656696, ClinGen allele CA397479106.
Genomic context (GRCh38, chr16:89,808,293, plus strand): 5'-TATAATTTATACTAGACTAGACTGCAAAAACAGTAACACTGAATCATCATTAGCACGCTA[C>T]CTTTCCAGCAGCTCTTGCAGGCTCACAATGCCTTGTACGTGAAGATGCCACACCGCTTCA-3'